The following is an entry in ClinVar:

NM_006073.4(TRDN):c.932-11G>T

Gene: TRDN (triadin; minus strand). Cytogenetic location: 6q22.31.
Variant type: single nucleotide variant.
Coding change: c.932-11G>T on transcript NM_006073.4 (MANE Select); 11 bases into the intron before coding-DNA position 932, G replaced by T.
Molecular consequence: intron variant.
Genome position (GRCh38, 1-based): chr6:123,439,014, C>A on the plus strand (G>T on the coding strand, the complement: TRDN is on the minus strand). VCF-style: chr6-123439014-C-A. GRCh37 (hg19) VCF-style: chr6-123760159-C-A.
Other names: c.932-11G>T (NM_001251987.2).
Identifiers: ClinVar variation 390305 (VCV000390305.10), dbSNP rs954424960, ClinGen allele CA16605447.

ClinVar aggregate classification (germline): Likely benign. Review status: criteria provided, multiple submitters, no conflicts (2 of 4 stars). 2 submissions from 2 submitters: Likely benign (2). Last evaluated 2025-08-29.

Conditions:
Catecholaminergic polymorphic ventricular tachycardia 1. Also called: RYR2-Related Catecholaminergic Polymorphic Ventricular Tachycardia; VENTRICULAR TACHYCARDIA, CATECHOLAMINERGIC POLYMORPHIC, 1, WITH OR WITHOUT ATRIAL DYSFUNCTION AND/OR DILATED CARDIOMYOPATHY; VENTRICULAR TACHYCARDIA, STRESS-INDUCED POLYMORPHIC 1. Identifiers: Orphanet 3286, MedGen C1631597, MONDO:0011484, OMIM 604772.

Allele frequency attached by ClinVar (database versions not stated): gnomAD exomes below 0.00001; gnomAD 0.00008 and 0.00009; TOPMed 0.00010.
gnomAD v4.1: 15 of 1,538,096 alleles (0.00098%); highest among the groups gnomAD compares: African/African-American, 0.021%; no homozygotes.

Submissions (2):

Labcorp Genetics (formerly Invitae), Labcorp
Classification: Likely benign for Catecholaminergic polymorphic ventricular tachycardia 1. Last evaluated: 2025-08-29. Review status: criteria provided, single submitter. Criteria: Invitae Variant Classification Sherloc (09022015). Collection method: clinical testing. Allele origin: germline.

GeneDx
Classification: Likely benign. Last evaluated: 2016-10-28. Review status: criteria provided, single submitter. Criteria: GeneDx Variant Classification (06012015). Collection method: clinical testing. Allele origin: germline. Affected: yes.
Comment: This variant is considered likely benign or benign based on one or more of the following criteria: it is a conservative change, it occurs at a poorly conserved position in the protein, it is predicted to be benign by multiple in silico algorithms, and/or has population frequency not consistent with disease.